The following is an entry in ClinVar:

NM_018902.5(PCDHA11):c.1407A>G (p.Pro469=)

Genes: PCDHA-AS1 (protocadherin alpha cluster antisense RNA 1; minus strand), PCDHA1 (protocadherin alpha 1; plus strand), PCDHA10 (protocadherin alpha 10; plus strand), PCDHA11 (protocadherin alpha 11; plus strand), PCDHA2 (protocadherin alpha 2; plus strand) and 8 more. Cytogenetic location: 5q31.3.
Variant type: single nucleotide variant.
Coding change: c.1407A>G on transcript NM_018902.5 (MANE Select); coding-DNA position 1407, A replaced by G.
Protein change: p.Pro469=; no amino-acid change (proline 469 retained).
Molecular consequence: synonymous variant. On other transcripts: non-coding transcript variant (1), intron variant (13).
Genome position (GRCh38, 1-based): chr5:140,870,510, A>G. VCF-style: chr5-140870510-A-G. GRCh37 (hg19) VCF-style: chr5-140250095-A-G.
Other names: c.1407A>G, p.Pro469= (NM_031861.3); c.2394+81826A>G (NM_018900.4); c.1602+82618A>G (NM_031411.3); c.2388+73158A>G (NM_018905.3); c.2394+66919A>G (NM_018906.3); c.2385+60938A>G (NM_018907.4); c.2352+46383A>G (NM_018908.3); c.2394+40025A>G (NM_018909.4); and 6 more.
Identifiers: ClinVar variation 2655792 (VCV002655792.24), dbSNP rs185967358, ClinGen allele CA3452008.

ClinVar aggregate classification (germline): Likely benign (1 of 4 stars; one submission).

Allele frequency attached by ClinVar (database versions not stated): 1000 Genomes Project 0.00140; 1000 Genomes Project 30x 0.00141; TOPMed 0.00321; ExAC 0.00340; ESP Exome Variant Server 0.00361; gnomAD 0.00365.
gnomAD v4.1: 7,668 of 1,614,220 alleles (0.48%); highest among the groups gnomAD compares: Non-Finnish European, 0.58%; 19 homozygotes.

Submission:

CeGaT Center for Human Genetics Tuebingen
Classification: Likely benign. Last evaluated: 2022-12-01. Review status: criteria provided, single submitter. Criteria: CeGaT Center For Human Genetics Tuebingen Variant Classification Criteria Version 2. Collection method: clinical testing. Allele origin: germline. Affected: yes. Observed: 1 variant allele.
Comment: PCDHA11: BP4, BP7, BS2